The following is an entry in ClinVar:

ClinVar aggregate classification (germline): Pathogenic/Likely pathogenic. Review status: criteria provided, multiple submitters, no conflicts (2 of 4 stars). 2 submissions from 2 submitters: Pathogenic (1); Likely pathogenic (1). Last evaluated 2023-07-25.

Conditions:
HCN4-related disorder. Also called: HCN4-related condition.
Brugada syndrome 8 (BRGDA8). Identifiers: Orphanet 130, MedGen C2751083, MONDO:0013148, OMIM 613123.

Submissions (2):

Greenwood Genetic Center Diagnostic Laboratories, Greenwood Genetic Center
Classification: Likely pathogenic for HCN4-related disorder. Last evaluated: 2023-07-25. Review status: criteria provided, single submitter. Criteria: ACMG Guidelines, 2015. Collection method: clinical testing. Allele origin: germline. Affected: yes.
Comment: PS2, PM2, PP3

Labcorp Genetics (formerly Invitae), Labcorp
Classification: Pathogenic for Brugada syndrome 8. Last evaluated: 2021-06-16. Review status: criteria provided, single submitter. Criteria: Invitae Variant Classification Sherloc (09022015). Collection method: clinical testing. Allele origin: germline.
Comment: This sequence change replaces tyrosine with cysteine at codon 354 of the HCN4 protein (p.Tyr354Cys). The tyrosine residue is highly conserved and there is a large physicochemical difference between tyrosine and cysteine. This variant is not present in population databases (ExAC no frequency). This variant has been observed in individual(s) with clinical features of HCN4-related conditions (Invitae). In at least one individual the variant was observed to be de novo. Advanced modeling of protein sequence and biophysical properties (such as structural, functional, and spatial information, amino acid conservation, physicochemical variation, residue mobility, and thermodynamic stability) performed at Invitae indicates that this missense variant is expected to disrupt HCN4 protein function. For these reasons, this variant has been classified as Pathogenic.

NM_005477.3(HCN4):c.1061A>G (p.Tyr354Cys)

Genes: HCN4 (hyperpolarization activated cyclic nucleotide gated potassium channel 4; minus strand), LOC105370890 (uncharacterized LOC105370890; plus strand), LOC126862173 (CDK7 strongly-dependent group 2 enhancer GRCh37_chr15:73635762-73636961; plus strand). Cytogenetic location: 15q24.1.
Variant type: single nucleotide variant.
Coding change: c.1061A>G on transcript NM_005477.3 (MANE Select); coding-DNA position 1061, A replaced by G.
Protein change: p.Tyr354Cys; replaces tyrosine 354 with cysteine.
Molecular consequence: missense variant.
Genome position (GRCh38, 1-based): chr15:73,343,533, T>C on the plus strand (A>G on the coding strand, the complement: HCN4 is on the minus strand). VCF-style: chr15-73343533-T-C. GRCh37 (hg19) VCF-style: chr15-73635874-T-C.
Other names: short protein forms Y354C.
Identifiers: ClinVar variation 1359536 (VCV001359536.9), dbSNP rs2151221183, ClinGen allele CA393094933.
Genomic context (GRCh38, chr15:73,343,533, plus strand): 5'-AGGGCCCGGGCAGTCTTGTAGACCTCCGAGTCGATGCGTGTCTCCACAATGAGGAAGATG[T>C]AGTCCACGGGGATGGAGGAAATGAAATCTACCATGAACCAGCTTTTCAGGTACTTCATTT-3'
Protein context (NP_005468.1, residues 344-364): VDFISSIPVD[Tyr354Cys]IFLIVETRID